The following is an entry in ClinVar:

NM_002432.3(MNDA):c.638C>G (p.Thr213Arg)

Gene: MNDA (myeloid cell nuclear differentiation antigen; plus strand). Cytogenetic location: 1q23.1.
Variant type: single nucleotide variant.
Coding change: c.638C>G on transcript NM_002432.3 (MANE Select); coding-DNA position 638, C replaced by G.
Protein change: p.Thr213Arg; replaces threonine 213 with arginine.
Molecular consequence: missense variant.
Genome position (GRCh38, 1-based): chr1:158,845,654, C>G. VCF-style: chr1-158845654-C-G. GRCh37 (hg19) VCF-style: chr1-158815444-C-G.
Other names: short protein forms T213R.
Identifiers: ClinVar variation 1753215 (VCV001753215.2), dbSNP rs371223975, ClinGen allele CA1185679.

ClinVar aggregate classification (germline): Uncertain significance (1 of 4 stars; one submission).

Allele frequency attached by ClinVar (database versions not stated): ExAC 0.00001; gnomAD exomes 0.00001; ESP Exome Variant Server 0.00008.
gnomAD v4.1: 8 of 1,614,044 alleles (0.0005%); highest among the groups gnomAD compares: Non-Finnish European, 0.00068%; no homozygotes.

Submission:

Ambry Genetics
Classification: Uncertain significance. Last evaluated: 2023-10-13. Review status: criteria provided, single submitter. Criteria: Ambry Variant Classification Scheme 2023. Collection method: clinical testing. Allele origin: germline.
Comment: The p.T213R variant (also known as c.638C>G), located in coding exon 4 of the MNDA gene, results from a C to G substitution at nucleotide position 638. The threonine at codon 213 is replaced by arginine, an amino acid with similar properties. This amino acid position is conserved. In addition, this alteration is predicted to be tolerated by in silico analysis. Since supporting evidence is limited at this time, the clinical significance of this alteration remains unclear.